The following is an entry in ClinVar:

NM_000176.3(NR3C1):c.530A>G (p.Asn177Ser)

Gene: NR3C1 (nuclear receptor subfamily 3 group C member 1; minus strand). Cytogenetic location: 5q31.3.
Variant type: single nucleotide variant.
Coding change: c.530A>G on transcript NM_000176.3 (MANE Select); coding-DNA position 530, A replaced by G.
Protein change: p.Asn177Ser; replaces asparagine 177 with serine.
Molecular consequence: missense variant. On other transcripts: 5 prime UTR variant (3).
Genome position (GRCh38, 1-based): chr5:143,400,310, T>C on the plus strand (A>G on the coding strand, the complement: NR3C1 is on the minus strand). VCF-style: chr5-143400310-T-C. GRCh37 (hg19) VCF-style: chr5-142779875-T-C.
Other names: c.530A>G, p.Asn177Ser (NM_001018074.1, NM_001018075.1, NM_001018076.2 and 10 more transcripts); c.452A>G, p.Asn151Ser (NM_001204258.2); c.275A>G, p.Asn92Ser (NM_001204259.2); c.263A>G, p.Asn88Ser (NM_001204260.2); c.239A>G, p.Asn80Ser (NM_001204261.2); c.-416A>G (NM_001204262.2); c.-461A>G (NM_001204263.2); c.-476A>G (NM_001204264.2); short protein forms N80S, N88S, N92S, N177S, N151S.
Identifiers: ClinVar variation 1896581 (VCV001896581.7), dbSNP rs769856104, ClinGen allele CA3487060.

ClinVar aggregate classification (germline): Uncertain significance. Review status: criteria provided, multiple submitters, no conflicts (2 of 4 stars). 3 submissions from 3 submitters: Uncertain significance (3). Last evaluated 2024-03-20.

Conditions:
Inborn genetic diseases. Identifiers: MedGen C0950123, MeSH D030342.
Glucocorticoid resistance. Also called: Glucocorticoid resistance, generalized; Gccr deficiency; Glucocorticoid receptor deficiency; Cortisol resistance from glucocorticoid receptor defect; Gcr deficiency. Identifiers: Orphanet 786, MedGen C1841972, MONDO:0014421, OMIM 615962.

Allele frequency attached by ClinVar (database versions not stated): gnomAD 0.00002; gnomAD exomes 0.00003; TOPMed 0.00004; ExAC 0.00005.
gnomAD v4.1: 52 of 1,610,650 alleles (0.0032%); highest among the groups gnomAD compares: Middle Eastern, 0.017%; no homozygotes.

Submissions (3):

Fulgent Genetics
Classification: Uncertain significance for Glucocorticoid resistance. Last evaluated: 2024-03-20. Review status: criteria provided, single submitter. Criteria: ACMG Guidelines, 2015. Collection method: clinical testing. Allele origin: germline.

Ambry Genetics
Classification: Uncertain significance for Inborn genetic diseases. Last evaluated: 2023-12-22. Review status: criteria provided, single submitter. Criteria: Ambry Variant Classification Scheme 2023. Collection method: clinical testing. Allele origin: germline.

Labcorp Genetics (formerly Invitae), Labcorp
Classification: Uncertain significance. Last evaluated: 2023-02-07. Review status: criteria provided, single submitter. Criteria: Invitae Variant Classification Sherloc (09022015). Collection method: clinical testing. Allele origin: germline.
Comment: In summary, the available evidence is currently insufficient to determine the role of this variant in disease. Therefore, it has been classified as a Variant of Uncertain Significance. Algorithms developed to predict the effect of missense changes on protein structure and function output the following: SIFT: "Tolerated"; PolyPhen-2: "Benign"; Align-GVGD: "Class C0". The serine amino acid residue is found in multiple mammalian species, which suggests that this missense change does not adversely affect protein function. This variant has not been reported in the literature in individuals affected with NR3C1-related conditions. This variant is present in population databases (rs769856104, gnomAD 0.02%). This sequence change replaces asparagine, which is neutral and polar, with serine, which is neutral and polar, at codon 177 of the NR3C1 protein (p.Asn177Ser).